The following is an entry in ClinVar:

ClinVar aggregate classification (germline): Pathogenic (0 of 4 stars; one submission).

Conditions:
Steinert myotonic dystrophy syndrome (DM1). Also called: STEINERT DISEASE; Myotonic dystrophy type 1; Dystrophia myotonica type 1; Steinert myotonic dystrophy; Steinert's disease. Identifiers: Orphanet 273, MedGen C3250443, MONDO:0008056, OMIM 160900.

Submission:

Institute of Molecular, Cell and Systems Biology, University of Glasgow
Classification: Pathogenic for Steinert myotonic dystrophy syndrome. Review status: no assertion criteria provided. Criteria: research. Collection method: research. Allele origin: germline. Inheritance: Autosomal dominant inheritance. Affected: yes. Observed: 1 heterozygote.
Comment: DMPK CTG repeat expansions greater than approximately 45-50 repeats are assumed to be pathogenic

This record is based on data published in PubMed 25052313, which reports only ClinVar accessions SCV000120188 and SCV000120189. The complete data set includes SCV000207445 - SCV000207579.

Literature cited by the submitters: PubMed 1346923; PubMed 1546326; PubMed 25052313.

NM_004409.5(DMPK):c.*224CTG[542]

Genes: DM1-AS (DM1 locus antisense RNA; plus strand), DMPK (DM1 protein kinase; minus strand), LOC107075317 (origin of replication in DMPK trinucleotide repeat region; plus strand), LOC109461477 (dystrophia myotonica protein kinase repeat instability region; plus strand). Cytogenetic location: 19q13.32.
Variant type: Microsatellite.
Coding change: c.*224CTG[542] on transcript NM_004409.5 (MANE Select); 542 copies in a row of the 3-base unit CTG starting at c.*224.
Molecular consequence: 3 prime UTR variant.
Genome position: GRCh38, VCF-style position (the base before the change): chr19:45,770,204. GRCh37 (hg19), VCF-style position (the base before the change): chr19:46,273,462.
Other names: DM1 CTG repeat expansion; c.*224CTG[542] (NM_001081560.3, NM_001288764.2, NM_001424165.1 and 1 more transcripts); c.*217CTG[542] (NM_001081562.3, NM_001288765.2, NM_001424162.1 and 2 more transcripts); c.*222_*224TGC[542] (NM_001081563.3); c.*369CTG[542] (NM_001288766.2, NM_001424164.1, NM_001424168.1).
Identifiers: ClinVar variation 188003 (VCV000188003.2), ClinGen allele CA915951826.